The following is an entry in ClinVar:

ClinVar aggregate classification (germline): Conflicting classifications of pathogenicity. Review status: criteria provided, conflicting classifications (1 of 4 stars). 10 submissions from 8 submitters: Uncertain significance (1); Benign (4); Likely benign (4). 1 of the submissions does not count toward it. Last evaluated 2025-12-03.

Conditions:
COL1A1-related disorder. Also called: COL1A1- related disease; COL1A1-related condition.
Ehlers-Danlos syndrome, arthrochalasia type. Also called: ARTHROCHALASIS MULTIPLEX CONGENITA; EDS VII, MUTANT PROCOLLAGEN TYPE; EDS VIIA; Ehlers-Danlos syndrome, arthrochalasia type, 1; Ehlers-Danlos syndrome, arthrochalasis type. Identifiers: Orphanet 1899, Orphanet 99875, Orphanet 99876, MedGen C4551623, MONDO:0007525, OMIM 130060.
Infantile cortical hyperostosis. Also called: Caffey Disease; P1PK BLOOD GROUP SYSTEM, P(2) PHENOTYPE; Hyperostosis, Cortical, Congenital. Identifiers: Orphanet 1310, MedGen C0020497, MONDO:0007244, OMIM 114000.
Osteogenesis imperfecta (OI). Identifiers: Orphanet 666, MedGen C0029434, MeSH D010013, MONDO:0019019.
Osteogenesis imperfecta type I (OI1). Also called: OSTEOGENESIS IMPERFECTA WITH BLUE SCLERAE; Osteogenesis imperfecta type 1; Lobstein's Disease; OI, TYPE I; OSTEOGENESIS IMPERFECTA TARDA; Classic Non-deforming Osteogenesis Imperfecta with Blue Sclerae. Identifiers: Orphanet 216796, Orphanet 666, MedGen C0023931, MONDO:0008146, OMIM 166200. Disease mechanism: loss of function.
Cardiovascular phenotype. Identifiers: MedGen CN230736.

Allele frequency attached by ClinVar (database versions not stated): gnomAD 0.00006 and 0.00012; ESP Exome Variant Server 0.00008; TOPMed 0.00008; gnomAD exomes 0.00024 and 0.00045; ExAC 0.00059; 1000 Genomes Project 30x 0.00062; 1000 Genomes Project 0.00080.
gnomAD v4.1: 368 of 1,613,860 alleles (0.023%); highest among the groups gnomAD compares: South Asian, 0.34%; 5 homozygotes.

Submissions (10):

Labcorp Genetics (formerly Invitae), Labcorp
Classification: Benign for Osteogenesis imperfecta type I. Last evaluated: 2025-12-03. Review status: criteria provided, single submitter. Criteria: Invitae Variant Classification Sherloc (09022015). Collection method: clinical testing. Allele origin: germline.

Mayo Clinic Laboratories, Mayo Clinic
Classification: Likely benign. Last evaluated: 2025-05-06. Review status: criteria provided, single submitter. Criteria: ACMG Guidelines, 2015. Collection method: clinical testing. Allele origin: germline. Observed: 2 variant alleles.
Comment: BS1, BS2_supporting

Women's Health and Genetics/Laboratory Corporation of America, LabCorp
Classification: Likely benign. Last evaluated: 2025-03-18. Review status: criteria provided, single submitter. Criteria: LabCorp Variant Classification Summary - May 2015. Collection method: clinical testing. Allele origin: germline.

Blueprint Genetics
Classification: Benign. Last evaluated: 2024-10-28. Review status: criteria provided, single submitter. Criteria: ACMG Guidelines, 2015. Collection method: clinical testing. Allele origin: germline.

Ambry Genetics
Classification: Likely benign for Cardiovascular phenotype. Last evaluated: 2022-10-19. Review status: criteria provided, single submitter. Criteria: Ambry Variant Classification Scheme 2023. Collection method: clinical testing. Allele origin: germline.

GeneDx
Classification: Likely benign. Last evaluated: 2020-02-27. Review status: criteria provided, single submitter. Criteria: GeneDx Variant Classification Process June 2021. Collection method: clinical testing. Allele origin: germline. Affected: yes.

Illumina Laboratory Services, Illumina
Classification: Benign for Ehlers-Danlos syndrome, arthrochalasia type. Last evaluated: 2017-10-27. Review status: criteria provided, single submitter. Criteria: ICSL Variant Classification Criteria 13 December 2019. Collection method: clinical testing. Allele origin: germline.
Comment: This variant was observed as part of a predisposition screen in an ostensibly healthy population. A literature search was performed for the gene, cDNA change, and amino acid change (where applicable). No publications were found based on this search. Allele frequency data from public databases was too high to be consistent with this variant causing disease. Therefore, this variant is classified as benign.

Illumina Laboratory Services, Illumina
Classification: Benign for Osteogenesis imperfecta. Last evaluated: 2017-10-27. Review status: criteria provided, single submitter. Criteria: ICSL Variant Classification Criteria 13 December 2019. Collection method: clinical testing. Allele origin: germline.
Comment: the same text as in the submission from Illumina Laboratory Services, Illumina above.

Illumina Laboratory Services, Illumina
Classification: Uncertain significance for Infantile cortical hyperostosis. Last evaluated: 2017-04-28. Review status: criteria provided, single submitter. Criteria: ICSL Variant Classification Criteria 13 December 2019. Collection method: clinical testing. Allele origin: germline.

PreventionGenetics, part of Exact Sciences
Classification: Likely benign for COL1A1-related condition. Last evaluated: 2020-01-03. Review status: no assertion criteria provided. Collection method: clinical testing. Allele origin: germline. Not counted in ClinVar's aggregate classification.
Comment: This variant is classified as likely benign based on ACMG/AMP sequence variant interpretation guidelines (Richards et al. 2015 PMID: 25741868, with internal and published modifications).

Literature cited by the submitters: PubMed 36930409 (cited by Mayo Clinic Laboratories, Mayo Clinic); PubMed 24123366 (cited by Ambry Genetics); PubMed 24185511 (cited by Ambry Genetics); PubMed 24668929 (cited by Ambry Genetics); PubMed 29695797 (cited by Ambry Genetics).

NM_000088.4(COL1A1):c.2167G>A (p.Ala723Thr)

Gene: COL1A1 (collagen type I alpha 1 chain; minus strand). Cytogenetic location: 17q21.33.
Variant type: single nucleotide variant.
Coding change: c.2167G>A on transcript NM_000088.4 (MANE Select); coding-DNA position 2167, G replaced by A.
Protein change: p.Ala723Thr; replaces alanine 723 with threonine.
Molecular consequence: missense variant.
Genome position (GRCh38, 1-based): chr17:50,191,451, C>T on the plus strand (G>A on the coding strand, the complement: COL1A1 is on the minus strand). VCF-style: chr17-50191451-C-T. GRCh37 (hg19) VCF-style: chr17-48268812-C-T.
Other names: p.Ala723Thr; short protein forms A723T.
Identifiers: ClinVar variation 512651 (VCV000512651.25), dbSNP rs150803124, ClinGen allele CA8644913.